The following is an entry in ClinVar:

NM_001197104.2(KMT2A):c.9380C>T (p.Pro3127Leu)

Gene: KMT2A (lysine methyltransferase 2A; plus strand). Cytogenetic location: 11q23.3.
Variant type: single nucleotide variant.
Coding change: c.9380C>T on transcript NM_001197104.2 (MANE Select); coding-DNA position 9380, C replaced by T.
Protein change: p.Pro3127Leu; replaces proline 3127 with leucine.
Molecular consequence: missense variant.
Genome position (GRCh38, 1-based): chr11:118,505,272, C>T. VCF-style: chr11-118505272-C-T. GRCh37 (hg19) VCF-style: chr11-118375987-C-T.
Other names: c.9470C>T, p.Pro3157Leu (NM_001412597.1); c.9371C>T, p.Pro3124Leu (NM_005933.4); short protein forms P3157L, P3124L, P3127L.
Identifiers: ClinVar variation 2802265 (VCV002802265.3), dbSNP rs2497018315, ClinGen allele CA382820215.

ClinVar aggregate classification (germline): Uncertain significance (1 of 4 stars; one submission).

Allele frequency attached by ClinVar (database versions not stated): gnomAD exomes below 0.00001.

Submission:

Labcorp Genetics (formerly Invitae), Labcorp
Classification: Uncertain significance. Last evaluated: 2023-06-28. Review status: criteria provided, single submitter. Criteria: Invitae Variant Classification Sherloc (09022015). Collection method: clinical testing. Allele origin: germline.
Comment: This variant is not present in population databases (gnomAD no frequency). This sequence change replaces proline, which is neutral and non-polar, with leucine, which is neutral and non-polar, at codon 3127 of the KMT2A protein (p.Pro3127Leu). In summary, the available evidence is currently insufficient to determine the role of this variant in disease. Therefore, it has been classified as a Variant of Uncertain Significance. Advanced modeling of protein sequence and biophysical properties (such as structural, functional, and spatial information, amino acid conservation, physicochemical variation, residue mobility, and thermodynamic stability) performed at Invitae indicates that this missense variant is not expected to disrupt KMT2A protein function. This variant has not been reported in the literature in individuals affected with KMT2A-related conditions.